The following is an entry in ClinVar:

NM_000038.6(APC):c.2114G>A (p.Ser705Asn)

Gene: APC (APC regulator of Wnt signaling pathway; plus strand). Cytogenetic location: 5q22.2.
Variant type: single nucleotide variant.
Coding change: c.2114G>A on transcript NM_000038.6 (MANE Select); coding-DNA position 2114, G replaced by A.
Protein change: p.Ser705Asn; replaces serine 705 with asparagine.
Molecular consequence: missense variant.
Genome position (GRCh38, 1-based): chr5:112,837,708, G>A. VCF-style: chr5-112837708-G-A. GRCh37 (hg19) VCF-style: chr5-112173405-G-A.
Other names: c.1841G>A, p.Ser614Asn (NM_001354902.2); c.1811G>A, p.Ser604Asn (NM_001354903.2); c.1736G>A, p.Ser579Asn (NM_001354904.2); c.1634G>A, p.Ser545Asn (NM_001354905.2); c.1265G>A, p.Ser422Asn (NM_001354906.2); c.2114G>A, p.Ser705Asn (NM_001127510.3, NM_001354895.2); c.2060G>A, p.Ser687Asn (NM_001127511.3); c.2168G>A, p.Ser723Asn (NM_001354896.2); and 5 more; short protein forms S687N, S705N, S545N, S604N, S680N, S723N, S614N, S646N.
Identifiers: ClinVar variation 619767 (VCV000619767.19), dbSNP rs752874220, ClinGen allele CA030810.

ClinVar aggregate classification (germline): Conflicting classifications of pathogenicity. Review status: criteria provided, conflicting classifications (1 of 4 stars). 5 submissions from 5 submitters: Uncertain significance (4); Likely benign (1). Last evaluated 2025-09-24.

Conditions:
Desmoid disease, hereditary (DESMD). Also called: FIBROMATOSIS, FAMILIAL INFILTRATIVE. Identifiers: Orphanet 873, MedGen C1851124, OMIM 135290. Disease mechanism: loss of function.
Familial adenomatous polyposis 1 (FAP1). Also called: FAMILIAL ADENOMATOUS POLYPOSIS 1, ATTENUATED; POLYPOSIS, ADENOMATOUS INTESTINAL. Identifiers: MedGen C2713442, MONDO:0021056, OMIM 175100. Disease mechanism: loss of function.
Gastric cancer. Also called: Malignant tumor of stomach; Stomach cancer. Identifiers: MedGen C0024623, MeSH D013274, MONDO:0001056, OMIM 613659, HP:0012126.
Colorectal cancer. Also called: Colorectal cancer, somatic; Malignant Colorectal Neoplasm. Identifiers: MedGen C0346629, MONDO:0005575, OMIM 114500.
Gastric adenocarcinoma and proximal polyposis of the stomach (GAPPS). Also called: Polyposis, gastric, Dos Santos and de Magalhaes 1980; POLYPOSIS, GASTRIC; Gastric Adenocarcinoma and Proximal Polyposis of the Stomach (GAPPS). Identifiers: Orphanet 314022, MedGen C4749917, MONDO:0017790, OMIM 619182.
Hepatocellular carcinoma (HCC). Also called: Primary carcinoma of liver; HEPATOMA; LIVER CELL CARCINOMA. Identifiers: HP:0002899, Orphanet 88673, MedGen C2239176, MONDO:0007256, OMIM 114550.
Hereditary cancer-predisposing syndrome. Also called: Hereditary Cancer Syndrome; Tumor predisposition; Neoplastic Syndromes, Hereditary; Hereditary neoplastic syndrome. Identifiers: Orphanet 140162, MedGen C0027672, MeSH D009386, MONDO:0015356.

Allele frequency attached by ClinVar (database versions not stated): gnomAD exomes below 0.00001 and 0.00001; ExAC 0.00001.
gnomAD v4.1: 6 of 1,614,182 alleles (0.00037%); highest among the groups gnomAD compares: South Asian, 0.0033%; no homozygotes.

Submissions (5):

Labcorp Genetics (formerly Invitae), Labcorp
Classification: Uncertain significance for Familial adenomatous polyposis 1. Last evaluated: 2025-09-24. Review status: criteria provided, single submitter. Criteria: Invitae Variant Classification Sherloc (09022015). Collection method: clinical testing. Allele origin: germline.
Comment: This sequence change replaces serine, which is neutral and polar, with asparagine, which is neutral and polar, at codon 705 of the APC protein (p.Ser705Asn). This variant is present in population databases (rs752874220, gnomAD 0.006%). This variant has not been reported in the literature in individuals affected with APC-related conditions. ClinVar contains an entry for this variant (Variation ID: 619767). Invitae Evidence Modeling of protein sequence and biophysical properties (such as structural, functional, and spatial information, amino acid conservation, physicochemical variation, residue mobility, and thermodynamic stability) indicates that this missense variant is not expected to disrupt APC protein function with a negative predictive value of 95%. In summary, the available evidence is currently insufficient to determine the role of this variant in disease. Therefore, it has been classified as a Variant of Uncertain Significance.

Fulgent Genetics
Classification: Uncertain significance for Colorectal cancer; Hepatocellular carcinoma; Desmoid disease, hereditary; Familial adenomatous polyposis 1; Gastric cancer; Gastric adenocarcinoma and proximal polyposis of the stomach. Last evaluated: 2022-05-24. Review status: criteria provided, single submitter. Criteria: ACMG Guidelines, 2015. Collection method: clinical testing. Allele origin: unknown.

Ambry Genetics
Classification: Likely benign for Hereditary cancer-predisposing syndrome. Last evaluated: 2022-03-16. Review status: criteria provided, single submitter. Criteria: Ambry Variant Classification Scheme 2023. Collection method: clinical testing. Allele origin: germline.

Color Diagnostics, LLC DBA Color Health
Classification: Uncertain significance for Hereditary cancer-predisposing syndrome. Last evaluated: 2020-12-15. Review status: criteria provided, single submitter. Criteria: ACMG Guidelines, 2015. Collection method: clinical testing. Allele origin: germline.
Comment: This missense variant replaces serine with asparagine at codon 705 of the APC protein. Computational prediction is inconclusive regarding the impact of this variant on protein structure and function (internally defined REVEL score threshold 0.5 < inconclusive < 0.7, PMID: 27666373). To our knowledge, functional studies have not been reported for this variant. This variant has not been reported in individuals affected with hereditary cancer in the literature. This variant has been identified in 2/250726 chromosomes in the general population by the Genome Aggregation Database (gnomAD). The available evidence is insufficient to determine the role of this variant in disease conclusively. Therefore, this variant is classified as a Variant of Uncertain Significance.

Quest Diagnostics Nichols Institute San Juan Capistrano
Classification: Uncertain significance. Last evaluated: 2018-02-27. Review status: criteria provided, single submitter. Criteria: Quest Diagnostics criteria. Collection method: clinical testing. Allele origin: germline.